The following is an entry in ClinVar:

NM_000417.3(IL2RA):c.499G>A (p.Val167Ile)

Gene: IL2RA (interleukin 2 receptor subunit alpha; minus strand). Cytogenetic location: 10p15.1.
Variant type: single nucleotide variant.
Coding change: c.499G>A on transcript NM_000417.3 (MANE Select); coding-DNA position 499, G replaced by A.
Protein change: p.Val167Ile; replaces valine 167 with isoleucine.
Molecular consequence: missense variant. On other transcripts: intron variant (2).
Genome position (GRCh38, 1-based): chr10:6,021,562, C>T on the plus strand (G>A on the coding strand, the complement: IL2RA is on the minus strand). VCF-style: chr10-6021562-C-T. GRCh37 (hg19) VCF-style: chr10-6063525-C-T.
Other names: c.368-2063G>A (NM_001308243.2); c.368-1621G>A (NM_001308242.2); short protein forms V167I.
Identifiers: ClinVar variation 950359 (VCV000950359.10), dbSNP rs147791171, ClinGen allele CA5397428.

ClinVar aggregate classification (germline): Uncertain significance. Review status: criteria provided, multiple submitters, no conflicts (2 of 4 stars). 2 submissions from 2 submitters: Uncertain significance (2). Last evaluated 2025-12-10.

Conditions:
Immunodeficiency due to CD25 deficiency. Also called: IL2RA DEFICIENCY; IMMUNODEFICIENCY 41 WITH LYMPHOPROLIFERATION AND AUTOIMMUNITY; CD25 DEFICIENCY. Identifiers: Orphanet 169100, MedGen C1853392, MONDO:0011664, OMIM 606367.
Type 1 diabetes mellitus 10 (T1D10). Identifiers: MedGen C1866040, MONDO:0011168, OMIM 601942.

Allele frequency attached by ClinVar (database versions not stated): gnomAD exomes 0.00004 and 0.00008; ExAC 0.00007; ESP Exome Variant Server 0.00008; gnomAD 0.00011; TOPMed 0.00012.
gnomAD v4.1: 81 of 1,614,018 alleles (0.005%); highest among the groups gnomAD compares: African/African-American, 0.04%; no homozygotes.

Submissions (2):

Labcorp Genetics (formerly Invitae), Labcorp
Classification: Uncertain significance for Immunodeficiency due to CD25 deficiency. Last evaluated: 2025-12-10. Review status: criteria provided, single submitter. Criteria: Invitae Variant Classification Sherloc (09022015). Collection method: clinical testing. Allele origin: germline.
Comment: This sequence change replaces valine, which is neutral and non-polar, with isoleucine, which is neutral and non-polar, at codon 167 of the IL2RA protein (p.Val167Ile). This variant is present in population databases (rs147791171, gnomAD 0.03%). This variant has not been reported in the literature in individuals affected with IL2RA-related conditions. ClinVar contains an entry for this variant (Variation ID: 950359). Invitae Evidence Modeling of protein sequence and biophysical properties (such as structural, functional, and spatial information, amino acid conservation, physicochemical variation, residue mobility, and thermodynamic stability) indicates that this missense variant is not expected to disrupt IL2RA protein function with a negative predictive value of 80%. In summary, the available evidence is currently insufficient to determine the role of this variant in disease. Therefore, it has been classified as a Variant of Uncertain Significance.

Fulgent Genetics
Classification: Uncertain significance for Type 1 diabetes mellitus 10; Immunodeficiency due to CD25 deficiency. Last evaluated: 2022-03-31. Review status: criteria provided, single submitter. Criteria: ACMG Guidelines, 2015. Collection method: clinical testing. Allele origin: unknown.